The following is an entry in ClinVar:

ClinVar aggregate classification (germline): Likely pathogenic (1 of 4 stars; one submission).

Conditions:
WT1-related disorder. Also called: WT1-related disorders. Identifiers: MedGen CN377814.

Submission:

3billion
Classification: Likely pathogenic for WT1-related disorder. Last evaluated: 2025-12-19. Review status: criteria provided, single submitter. Criteria: ACMG Guidelines, 2015. Collection method: clinical testing. Allele origin: germline. Affected: yes.
Comment: The variant is not observed in the gnomAD v4.1.0 dataset. Predicted Consequence/Location: Stop-gained (nonsense): predicted to result in a loss or disruption of normal protein function through nonsense-mediated decay (NMD) or protein truncation. Multiple pathogenic variants are reported downstream of the variant. Therefore, this variant is classified as Likely pathogenic according to the recommendation of ACMG/AMP guideline.

NM_024426.6(WT1):c.109G>T (p.Gly37Ter)

Genes: WT1 (WT1 transcription factor; minus strand), LOC107982234 (WT1/WT1-AS bi-directional promoter region; plus strand). Cytogenetic location: 11p13.
Variant type: single nucleotide variant.
Coding change: c.109G>T on transcript NM_024426.6 (MANE Select); coding-DNA position 109, G replaced by T.
Protein change: p.Gly37Ter; replaces glycine 37 with a stop codon.
Molecular consequence: nonsense. On other transcripts: 5 prime UTR variant (4), non-coding transcript variant (2).
Genome position (GRCh38, 1-based): chr11:32,435,252, C>A on the plus strand (G>T on the coding strand, the complement: WT1 is on the minus strand). VCF-style: chr11-32435252-C-A. GRCh37 (hg19) VCF-style: chr11-32456798-C-A.
Other names: c.109G>T, p.Gly37Ter (NM_000378.6, NM_001407044.1, NM_001407045.1 and 6 more transcripts); c.-111G>T (NM_001429031.1, NM_001429032.1, NM_001429033.1 and 1 more transcripts); short protein forms G32*, G37*.
Identifiers: ClinVar variation 4854460 (VCV004854460.1).
Genomic context (GRCh38, chr11:32,435,252, plus strand): 5'-GTTCAGCGCTGGCCTCGGCGGCGCCTAACTTGGCCCAGATGCCGCCCGGGTCCCGGACTC[C>A]CTGCTGCTCTGGCTGCTGTAGGCACCCAGGCCCGGAGCGGAGCGTGTGCTGAGACGCCGG-3'